The following is an entry in ClinVar:

ClinVar aggregate classification (germline): Pathogenic (1 of 4 stars; one submission).

Conditions:
Fanconi anemia complementation group C (FANCC). Also called: FANCONI PANCYTOPENIA, TYPE 3; FACC; Fanconi anemia, group C; FANCC-Related Fanconi Anemia. Identifiers: Orphanet 84, MedGen C3468041, MONDO:0009213, OMIM 227645.

Submission:

Women's Health and Genetics/Laboratory Corporation of America, LabCorp
Classification: Pathogenic for Fanconi anemia complementation group C. Last evaluated: 2026-03-18. Review status: criteria provided, single submitter. Criteria: LabCorp Variant Classification Summary - May 2015. Collection method: clinical testing. Allele origin: germline.
Comment: Variant summary: FANCC c.571delA (p.Ile191LeufsX3) results in a premature termination codon, predicted to cause a truncation of the encoded protein or absence of the protein due to nonsense mediated decay, which are commonly known mechanisms for disease. The variant was absent in 251362 control chromosomes. To our knowledge, no occurrence of c.571delA in individuals affected with FANCC-related conditions and no experimental evidence demonstrating its impact on protein function have been reported. No submitters have cited clinical-significance assessments for this variant to ClinVar. Based on the evidence outlined above, the variant was classified as pathogenic.

NM_000136.3(FANCC):c.571del (p.Ile191fs)

Genes: AOPEP (aminopeptidase O (putative); plus strand), FANCC (FA complementation group C; minus strand). Cytogenetic location: 9q22.32.
Variant type: Deletion.
Coding change: c.571del on transcript NM_000136.3 (MANE Select); coding-DNA position 571, one base deleted (A; older notation c.571delA).
Protein change: p.Ile191fs; shifts the reading frame from isoleucine 191.
Molecular consequence: frameshift variant.
Genome position (GRCh38, 1-based): chr9:95,150,038, T deleted on the plus strand (A on the coding strand, the reverse complement: FANCC is on the minus strand). VCF-style (leftmost placement, unchanged base first): chr9-95150037-AT-A. GRCh37 (hg19) VCF-style: chr9-97912319-AT-A.
Other names: c.571del, p.Ile191fs (NM_001243743.2, NM_001243744.2); c.571delA (NM_000136.3); short protein forms I191fs.
Identifiers: ClinVar variation 4847097 (VCV004847097.1).